The following is an entry in ClinVar:

NM_001379200.1(TBX1):c.1262A>C (p.His421Pro)

Gene: TBX1 (T-box transcription factor 1; plus strand). Cytogenetic location: 22q11.21.
Variant type: single nucleotide variant.
Coding change: c.1262A>C on transcript NM_001379200.1 (MANE Select); coding-DNA position 1262, A replaced by C.
Protein change: p.His421Pro; replaces histidine 421 with proline.
Molecular consequence: missense variant. On other transcripts: intron variant (2).
Genome position (GRCh38, 1-based): chr22:19,766,614, A>C. VCF-style: chr22-19766614-A-C. GRCh37 (hg19) VCF-style: chr22-19754137-A-C.
Other names: c.1235A>C, p.His412Pro (NM_080647.1); c.1009+612A>C (NM_005992.1, NM_080646.2); short protein forms H412P, H421P.
Identifiers: ClinVar variation 4883822 (VCV004883822.2).
Genomic context (GRCh38, chr22:19,766,614, plus strand): 5'-GGCCCAGTCCCCCGAACCCCGAGCTGCGCCTGGAGGCGCCCGGCGCATCGGAGCCGCTGC[A>C]CCACCACCCCTACAAATATCCGGCCGCCGCCTACGACCACTATCTCGGGGCCAAGAGCCG-3'
Protein context (NP_001366129.1, residues 411-431): LEAPGASEPL[His421Pro]HHPYKYPAAA

ClinVar aggregate classification (germline): Uncertain significance (1 of 4 stars; one submission).

Submission:

Dasa
Classification: Uncertain significance. Last evaluated: 2024-10-31. Review status: criteria provided, single submitter. Criteria: DASA Assertion Criteria. Collection method: clinical testing. Allele origin: germline.
Comment: NM_001379200.1(TBX1):c.1262A>C (p.His421Pro) is a missense variant that results in the substitution of histidine with proline. This variant is absent from population databases. The currently available literature and clinical evidence are not sufficient to establish a definitive association between this variant and the reported condition. Therefore, this variant is classified as a variant of uncertain significance.